The following is an entry in ClinVar:

ClinVar aggregate classification (germline): Uncertain significance (1 of 4 stars; one submission).

Conditions:
Short-rib thoracic dysplasia 11 with or without polydactyly (SRTD11). Also called: SHORT-RIB THORACIC DYSPLASIA 11 WITHOUT POLYDACTYLY. Identifiers: Orphanet 474, Orphanet 93271, MedGen C3810200, MONDO:0014287, OMIM 615633.

Allele frequency attached by ClinVar (database versions not stated): TOPMed 0.00001; 1000 Genomes Project 30x 0.00016; gnomAD 0.00001.

Submission:

Labcorp Genetics (formerly Invitae), Labcorp
Classification: Uncertain significance for Short-rib thoracic dysplasia 11 with or without polydactyly. Last evaluated: 2025-06-23. Review status: criteria provided, single submitter. Criteria: Invitae Variant Classification Sherloc (09022015). Collection method: clinical testing. Allele origin: germline.
Comment: This sequence change affects codon 62 of the WDR34 mRNA. It is a 'silent' change, meaning that it does not change the encoded amino acid sequence of the WDR34 protein. This variant also falls at the last nucleotide of exon 1, which is part of the consensus splice site for this exon. This variant is not present in population databases (gnomAD no frequency). This variant has not been reported in the literature in individuals affected with WDR34-related conditions. ClinVar contains an entry for this variant (Variation ID: 1955848). Variants that disrupt the consensus splice site are a relatively common cause of aberrant splicing (PMID: 17576681, 9536098). Algorithms developed to predict the effect of sequence changes on RNA splicing suggest that this variant may disrupt the consensus splice site. In summary, the available evidence is currently insufficient to determine the role of this variant in disease. Therefore, it has been classified as a Variant of Uncertain Significance.

Literature cited by the submitters: PubMed 17576681; PubMed 9536098.

NM_052844.4(DYNC2I2):c.186G>A (p.Thr62=)

Gene: DYNC2I2 (dynein 2 intermediate chain 2; minus strand). Cytogenetic location: 9q34.11.
Variant type: single nucleotide variant.
Coding change: c.186G>A on transcript NM_052844.4 (MANE Select); coding-DNA position 186, G replaced by A.
Protein change: p.Thr62=; no amino-acid change (threonine 62 retained).
Molecular consequence: synonymous variant.
Genome position (GRCh38, 1-based): chr9:128,656,541, C>T on the plus strand (G>A on the coding strand, the complement: DYNC2I2 is on the minus strand). VCF-style: chr9-128656541-C-T. GRCh37 (hg19) VCF-style: chr9-131418820-C-T.
Identifiers: ClinVar variation 1955848 (VCV001955848.5), dbSNP rs772526069, ClinGen allele CA5266725.